The following is an entry in ClinVar:

NM_000518.5(HBB):c.315+1_315+2insACGTTCTC

Genes: HBB (hemoglobin subunit beta; minus strand), LOC106099062 (HBB recombination region; plus strand), LOC107133510 (origin of replication at HBB; plus strand), LOC110006319 (beta-globin gene 3' regulatory region; plus strand). Cytogenetic location: 11p15.4.
Variant type: Insertion.
Coding change: c.315+1_315+2insACGTTCTC on transcript NM_000518.5 (MANE Select); the canonical splice donor site of the intron after coding-DNA position 315, ACGTTCTC inserted.
Molecular consequence: splice donor variant.
Genome position: GRCh38 VCF-style: chr11-5226575-A-AGAGAACGT. GRCh37 (hg19) VCF-style: chr11-5247805-A-AGAGAACGT.
Identifiers: ClinVar variation 3766488 (VCV003766488.1).
Genomic context (GRCh38, chr11:5,226,575, plus strand): 5'-TGACATGAACTTAACCATAGAAAAGAAGGGGAAAGAAAACATCAAGCGTCCCATAGACTC[A>AGAGAACGT]CCCTGAAGTTCTCAGGATCCACGTGCAGCTTGTCACAGTGCAGCTCACTCAGTGTGGCAA-3'

ClinVar aggregate classification (germline): Likely pathogenic (1 of 4 stars; one submission).

Submission:

ARUP Laboratories, Molecular Genetics and Genomics, ARUP Laboratories
Classification: Likely pathogenic. Last evaluated: 2024-03-04. Review status: criteria provided, single submitter. Criteria: ARUP Molecular Germline Variant Investigation Process 2024. Collection method: clinical testing. Allele origin: germline.
Comment: The HBB c.315+2_315+3delinsACGTTCTCTGA variant (also known as IVS-II-2,3 (+11,-2), rs63750842, HbVar ID: 886) is reported in the literature in an individual with microcytic anemia, as well as several other beta-thalassemia carriers (Derakhshandeh-Peykar 2007, Najmabadi 2002, HbVar database and references therein). This variant is absent from the Genome Aggregation Database (v2.1.1), indicating it is not a common polymorphism. This variant disrupts the canonical splice donor site of intron 2, which is likely to negatively impact gene function. Based on available information, this variant is considered to be likely pathogenic. References: Link to HbVar database: Derakhshandeh-Peykar P et al. Distribution of beta-thalassemia mutations in the northern provinces of Iran. Hemoglobin. 2007;31(3):351-6. PMID: 17654072. Najmabadi H et al. Rare and unexpected mutations among Iranian beta-thalassemia patients and prenatal samples discovered by reverse-hybridization and DNA sequencing. Haematologica. 2002 Oct;87(10):1113-4. PMID: 12368169.